The following is an entry in ClinVar:

ClinVar aggregate classification (germline): Uncertain significance (1 of 4 stars; one submission).

Submission:

GeneDx
Classification: Uncertain significance. Last evaluated: 2020-10-30. Review status: criteria provided, single submitter. Criteria: GeneDx Variant Classification Process June 2021. Collection method: clinical testing. Allele origin: germline. Affected: yes.
Comment: Has not been previously published as pathogenic or benign to our knowledge; Not observed in large population cohorts (Lek et al., 2016); In silico analysis supports that this missense variant has a deleterious effect on protein structure/function

NM_001375524.1(TRRAP):c.10844G>C (p.Cys3615Ser)

Gene: TRRAP (transformation/transcription domain associated protein; plus strand). Cytogenetic location: 7q22.1.
Variant type: single nucleotide variant.
Coding change: c.10844G>C on transcript NM_001375524.1 (MANE Select); coding-DNA position 10844, G replaced by C.
Protein change: p.Cys3615Ser; replaces cysteine 3615 with serine.
Molecular consequence: missense variant.
Genome position (GRCh38, 1-based): chr7:99,008,467, G>C. VCF-style: chr7-99008467-G-C. GRCh37 (hg19) VCF-style: chr7-98606090-G-C.
Other names: c.10802G>C, p.Cys3601Ser (NM_001244580.2); c.10715G>C, p.Cys3572Ser (NM_003496.4); short protein forms C3572S, C3601S, C3615S.
Identifiers: ClinVar variation 1313494 (VCV001313494.2), dbSNP rs2116874155, ClinGen allele CA368340200.